The following is an entry in ClinVar:

ClinVar aggregate classification (germline): Benign (1 of 4 stars; one submission).

Conditions:
Glycogen storage disease, type II (IOPD). Also called: Pompe Disease; CARDIOMEGALIA GLYCOGENICA DIFFUSA; GLYCOGENOSIS, GENERALIZED, CARDIAC FORM; GSD II; POMPE DISEASE, INFANTILE-ONSET; GLYCOGEN STORAGE DISEASE II, INFANTILE-ONSET. Identifiers: Orphanet 365, MedGen C0017921, MONDO:0009290, OMIM 232300.

gnomAD v4.1: 8,432 of 151,396 alleles (5.6%); highest among the groups gnomAD compares: South Asian, 15%; 487 homozygotes.

Submission:

Genomenon, Inc
Classification: Benign for Glycogen storage disease, type II. Last evaluated: 2026-07-01. Review status: criteria provided, single submitter. Criteria: Genomenon Sequence Variant Interpretation Standards - Updated. Collection method: curation. Allele origin: germline. Affected: no.
Comment: GAA c.2189+729A>G is an intronic variant located in intron 15. This variant is present at high allele frequency in population databases. We classify GAA c.2189+729A>G as a benign variant.

NM_000152.5(GAA):c.2189+729A>G

Gene: GAA (alpha glucosidase; plus strand). Cytogenetic location: 17q25.3.
Variant type: single nucleotide variant.
Coding change: c.2189+729A>G on transcript NM_000152.5 (MANE Select); 729 bases into the intron after coding-DNA position 2189, A replaced by G.
Molecular consequence: intron variant.
Genome position (GRCh38, 1-based): chr17:80,114,095, A>G. VCF-style: chr17-80114095-A-G. GRCh37 (hg19) VCF-style: chr17-78087894-A-G.
Other names: c.2189+729A>G (NM_001406741.1, NM_001406742.1, NM_001079803.3 and 1 more transcripts).
Identifiers: ClinVar variation 4876367 (VCV004876367.1).